The following is an entry in ClinVar:

NM_031476.4(CRISPLD2):c.852G>A (p.Met284Ile)

Gene: CRISPLD2 (cysteine rich secretory protein LCCL domain containing 2; plus strand). Cytogenetic location: 16q24.1.
Variant type: single nucleotide variant.
Coding change: c.852G>A on transcript NM_031476.4 (MANE Select); coding-DNA position 852, G replaced by A.
Protein change: p.Met284Ile; replaces methionine 284 with isoleucine.
Molecular consequence: missense variant.
Genome position (GRCh38, 1-based): chr16:84,867,039, G>A. VCF-style: chr16-84867039-G-A. GRCh37 (hg19) VCF-style: chr16-84900645-G-A.
Other names: c.852G>A (NM_031476.3); short protein forms M284I.
Identifiers: ClinVar variation 2646929 (VCV002646929.25), dbSNP rs149615348, ClinGen allele CA8211724.

ClinVar aggregate classification (germline): Likely benign. Review status: criteria provided, single submitter (1 of 4 stars). 2 submissions from 2 submitters: Likely benign (1). 1 of the submissions does not count toward it. Last evaluated 2023-04-01.

Conditions:
CRISPLD2-related disorder. Also called: CRISPLD2-related condition.

Allele frequency attached by ClinVar (database versions not stated): 1000 Genomes Project 30x 0.00234; 1000 Genomes Project 0.00260; ExAC 0.00501; TOPMed 0.00560; ESP Exome Variant Server 0.00569; gnomAD exomes 0.00645.

Submissions (2):

CeGaT Center for Human Genetics Tuebingen
Classification: Likely benign. Last evaluated: 2023-04-01. Review status: criteria provided, single submitter. Criteria: CeGaT Center For Human Genetics Tuebingen Variant Classification Criteria Version 2. Collection method: clinical testing. Allele origin: germline. Affected: yes. Observed: 1 variant allele.
Comment: CRISPLD2: BS2

PreventionGenetics, part of Exact Sciences
Classification: Benign for CRISPLD2-related condition. Last evaluated: 2019-05-28. Review status: no assertion criteria provided. Collection method: clinical testing. Allele origin: germline. Not counted in ClinVar's aggregate classification.
Comment: This variant is classified as benign based on ACMG/AMP sequence variant interpretation guidelines (Richards et al. 2015 PMID: 25741868, with internal and published modifications).